The following is an entry in ClinVar:

ClinVar aggregate classification (germline): Conflicting classifications of pathogenicity. Review status: criteria provided, conflicting classifications (1 of 4 stars). 2 submissions from 2 submitters: Uncertain significance (1); Likely benign (1). Last evaluated 2023-03-23.

Conditions:
Hereditary cancer-predisposing syndrome. Also called: Neoplastic Syndromes, Hereditary; Tumor predisposition; Hereditary neoplastic syndrome; Hereditary Cancer Syndrome. Identifiers: Orphanet 140162, MedGen C0027672, MeSH D009386, MONDO:0015356.

Submissions (2):

University of Washington Department of Laboratory Medicine, University of Washington
Classification: Likely benign for Hereditary cancer-predisposing syndrome. Last evaluated: 2023-03-23. Review status: criteria provided, single submitter. Criteria: Dines et al. (Genet Med. 2020). Collection method: curation. Allele origin: germline.
Comment: Missense variant in a coldspot region where missense variants are very unlikely to be pathogenic (PMID:31911673).

BRCA1 coldspot (exon 11 using historical exon numbering). Reclassification based on statistical prior probability

Ambry Genetics
Classification: Uncertain significance for Hereditary cancer-predisposing syndrome. Last evaluated: 2019-06-26. Review status: criteria provided, single submitter. Criteria: Ambry Variant Classification Scheme 2023. Collection method: clinical testing. Allele origin: germline.
Comment: The p.R332G variant (also known as c.994C>G), located in coding exon 9 of the BRCA1 gene, results from a C to G substitution at nucleotide position 994. The arginine at codon 332 is replaced by glycine, an amino acid with dissimilar properties. This amino acid position is poorly conserved in available vertebrate species. In addition, the in silico prediction for this alteration is inconclusive. Since supporting evidence is limited at this time, the clinical significance of this alteration remains unclear.

NM_007294.4(BRCA1):c.994C>G (p.Arg332Gly)

Gene: BRCA1 (BRCA1 DNA repair associated; minus strand). Cytogenetic location: 17q21.31.
Variant type: single nucleotide variant.
Coding change: c.994C>G on transcript NM_007294.4 (MANE Select); coding-DNA position 994, C replaced by G.
Protein change: p.Arg332Gly; replaces arginine 332 with glycine.
Molecular consequence: missense variant. On other transcripts: intron variant (137).
Genome position (GRCh38, 1-based): chr17:43,094,537, G>C on the plus strand (C>G on the coding strand, the complement: BRCA1 is on the minus strand). VCF-style: chr17-43094537-G-C. GRCh37 (hg19) VCF-style: chr17-41246554-G-C.
Other names: c.853C>G, p.Arg285Gly (NM_001407735.1, NM_001407736.1, NM_001407737.1 and 29 more transcripts); c.850C>G, p.Arg284Gly (NM_001407741.1, NM_001407740.1, NM_001407742.1 and 20 more transcripts); c.994C>G, p.Arg332Gly (NM_001407618.1, NM_001407619.1, NM_001407620.1 and 30 more transcripts); c.991C>G, p.Arg331Gly (NM_001407627.1, NM_001407628.1, NM_001407629.1 and 22 more transcripts); c.985C>G, p.Arg329Gly (NM_001407646.1, NM_001407647.1); c.871C>G, p.Arg291Gly (NM_001407648.1, NM_001407664.1, NM_001407665.1 and 19 more transcripts); c.868C>G, p.Arg290Gly (NM_001407649.1, NM_001407670.1, NM_001407671.1 and 11 more transcripts); c.916C>G, p.Arg306Gly (NM_001407653.1, NM_001407654.1, NM_001407655.1 and 4 more transcripts); and 40 more; short protein forms R285G, R332G, R204G, R220G, R244G, R284G, R291G, R331G.
Identifiers: ClinVar variation 823578 (VCV000823578.7), dbSNP rs80357176, ClinGen allele CA10600069.